The following is an entry in ClinVar:

NM_001365951.3(KIF1B):c.196T>C (p.Cys66Arg)

Gene: KIF1B (kinesin family member 1B; plus strand). Cytogenetic location: 1p36.22.
Variant type: single nucleotide variant.
Coding change: c.196T>C on transcript NM_001365951.3 (MANE Select); coding-DNA position 196, T replaced by C.
Protein change: p.Cys66Arg; replaces cysteine 66 with arginine.
Molecular consequence: missense variant.
Genome position (GRCh38, 1-based): chr1:10,258,505, T>C. VCF-style: chr1-10258505-T-C. GRCh37 (hg19) VCF-style: chr1-10318563-T-C.
Other names: c.196T>C, p.Cys66Arg (NM_001365952.1, NM_001365953.1, NM_015074.3 and 1 more transcripts); short protein forms C66R.
Identifiers: ClinVar variation 2625726 (VCV002625726.2), dbSNP rs376227029, ClinGen allele CA17832762.
Genomic context (GRCh38, chr1:10,258,505, plus strand): 5'-AAGAAATATTAATAAAAGGTTATTTATTTCTCCTTTTACTCTTTACAGCCCGAAGATCCC[T>C]GTTTTGCATCTCAAAACCGTGTGTACAATGACATTGGCAAGGAAATGCTCTTACACGCCT-3'
Protein context (NP_001352880.1, residues 56-76): YWSHTSPEDP[Cys66Arg]FASQNRVYND

ClinVar aggregate classification (germline): Uncertain significance (1 of 4 stars; one submission).

Allele frequency attached by ClinVar (database versions not stated): gnomAD 0.00001; ESP Exome Variant Server 0.00008.
gnomAD v4.1: 1 of 1,614,006 alleles (0.000062%); highest among the groups gnomAD compares: Non-Finnish European, 0.000085%; no homozygotes.

Submission:

Ambry Genetics
Classification: Uncertain significance. Last evaluated: 2023-08-05. Review status: criteria provided, single submitter. Criteria: Ambry Variant Classification Scheme 2023. Collection method: clinical testing. Allele origin: germline.
Comment: The p.C66R variant (also known as c.196T>C), located in coding exon 3 of the KIF1B gene, results from a T to C substitution at nucleotide position 196. The cysteine at codon 66 is replaced by arginine, an amino acid with highly dissimilar properties. This amino acid position is conserved. In addition, the in silico prediction for this alteration is inconclusive. Since supporting evidence is limited at this time, the clinical significance of this alteration remains unclear.